The following is an entry in ClinVar:

ClinVar aggregate classification (germline): Uncertain significance (1 of 4 stars; one submission).

Conditions:
Primary ciliary dyskinesia. Also called: Ciliary dyskinesia. Identifiers: Orphanet 244, MedGen C0008780, MONDO:0016575, HP:0012265.

gnomAD v4.1: 1 of 1,608,610 alleles (0.000062%); no homozygotes.

Submission:

Labcorp Genetics (formerly Invitae), Labcorp
Classification: Uncertain significance for Primary ciliary dyskinesia. Last evaluated: 2023-06-16. Review status: criteria provided, single submitter. Criteria: Invitae Variant Classification Sherloc (09022015). Collection method: clinical testing. Allele origin: germline.
Comment: This variant is not present in population databases (gnomAD no frequency). This sequence change replaces asparagine, which is neutral and polar, with histidine, which is basic and polar, at codon 1449 of the DNAH8 protein (p.Asn1449His). In summary, the available evidence is currently insufficient to determine the role of this variant in disease. Therefore, it has been classified as a Variant of Uncertain Significance. Experimental studies and prediction algorithms are not available or were not evaluated, and the functional significance of this variant is currently unknown. This variant has not been reported in the literature in individuals affected with DNAH8-related conditions.

NM_001206927.2(DNAH8):c.4345A>C (p.Asn1449His)

Gene: DNAH8 (dynein axonemal heavy chain 8; plus strand). Cytogenetic location: 6p21.2.
Variant type: single nucleotide variant.
Coding change: c.4345A>C on transcript NM_001206927.2 (MANE Select); coding-DNA position 4345, A replaced by C.
Protein change: p.Asn1449His; replaces asparagine 1449 with histidine.
Molecular consequence: missense variant.
Genome position (GRCh38, 1-based): chr6:38,834,621, A>C. VCF-style: chr6-38834621-A-C. GRCh37 (hg19) VCF-style: chr6-38802397-A-C.
Other names: c.3694A>C, p.Asn1232His (NM_001371.4); short protein forms N1232H, N1449H.
Identifiers: ClinVar variation 2717574 (VCV002717574.3), dbSNP rs2532735572, ClinGen allele CA364000173.